The following is an entry in ClinVar:

ClinVar aggregate classification (germline): Pathogenic/Likely pathogenic. Review status: criteria provided, multiple submitters, no conflicts (2 of 4 stars). 21 submissions from 20 submitters: Pathogenic (18); Likely pathogenic (2). 1 of the submissions does not count toward it. Last evaluated 2026-03-18.

Conditions:
Rare genetic deafness. Identifiers: Orphanet 96210, MedGen C5680250.
Monogenic hearing loss.
SLC26A4-related disorder. Also called: SLC26A4-related condition; SLC26A4-related disorders.
Inborn genetic diseases. Identifiers: MedGen C0950123, MeSH D030342.
Autosomal recessive nonsyndromic hearing loss 4 (DFNB4). Also called: FOXI1-Related Pendred Syndrome; KCNJ10-Related Pendred Syndrome; DEAFNESS, AUTOSOMAL RECESSIVE 4, WITH ENLARGED VESTIBULAR AQUEDUCT, DIGENIC; Deafness, autosomal recessive 4; Nonsyndromic enlarged vestibular aqueduct (NSEVA); NEUROSENSORY NONSYNDROMIC RECESSIVE DEAFNESS 4. Identifiers: Orphanet 90636, MedGen C3538946, MONDO:0010933, OMIM 600791.
Pendred syndrome (PDS). Also called: Pendred's syndrome; DEAFNESS WITH GOITER; GOITER-DEAFNESS SYNDROME; HYPOTHYROIDISM, CONGENITAL, DUE TO DYSHORMONOGENESIS, 2B; THYROID DYSHORMONOGENESIS 2B; THYROID HORMONOGENESIS, GENETIC DEFECT IN, 2B. Identifiers: Orphanet 705, MedGen C0271829, MONDO:0010134, OMIM 274600.

Allele frequency attached by ClinVar (database versions not stated): gnomAD exomes 0.00012; TOPMed 0.00019; ExAC 0.00022; gnomAD 0.00025 and 0.00027.
gnomAD v4.1: 612 of 1,559,544 alleles (0.039%); highest among the groups gnomAD compares: Non-Finnish European, 0.05%; no homozygotes.

Submissions 1 to 12 of 22:

Genetics Laboratory, Great Ormond Street Hospital NHS Foundation Trust, North Thames Genomic Laboratory Hub
Classification: Pathogenic for Monogenic hearing loss. Last evaluated: 2026-03-18. Review status: criteria provided, single submitter. Criteria: ACGS Best Practice Guidelines for Variant Classification in Rare Disease 2024 v1.2. Collection method: clinical testing. Allele origin: germline. Affected: yes.
Comment: PM2_moderate, PM3_very-strong

Labcorp Genetics (formerly Invitae), Labcorp
Classification: Pathogenic. Last evaluated: 2026-01-25. Review status: criteria provided, single submitter. Criteria: Invitae Variant Classification Sherloc (09022015). Collection method: clinical testing. Allele origin: germline.
Comment: This sequence change falls in intron 1 of the SLC26A4 gene. It does not directly change the encoded amino acid sequence of the SLC26A4 protein. It affects a nucleotide within the consensus splice site. This variant is present in population databases (rs397516411, gnomAD 0.02%). This variant has been observed in individuals with SLC26A4-related conditions (PMID: 16570074, 25394566, 26022370). This variant is also known as IVS1-2A>G or IVS1-3-2A>G. ClinVar contains an entry for this variant (Variation ID: 43486). Variants that disrupt the consensus splice site are a relatively common cause of aberrant splicing (PMID: 17576681, 9536098). Algorithms developed to predict the effect of sequence changes on RNA splicing suggest that this variant may disrupt the consensus splice site. For these reasons, this variant has been classified as Pathogenic.

Clinical Genomics Laboratory, Washington University in St. Louis
Classification: Pathogenic for Pendred syndrome; Autosomal recessive nonsyndromic hearing loss 4. Last evaluated: 2026-01-02. Review status: criteria provided, single submitter. Criteria: ACMG Guidelines, 2015. Collection method: clinical testing. Allele origin: germline. Affected: yes.
Comment: The SLC26A4 c.-3-2A>G variant has been reported in at least nine individuals with hearing loss and clinical features of hearing loss/Pendred syndrome (EVA or temporal bone abnormalities), all presumed or confirmed in trans with a pathogenic or likely pathogenic variant (Albert S et al., PMID: 16570074; DeLuca AP et al., PMID: 26022370; López-Bigas N et al., PMID: 11748854; Sloan-Heggen CM et al., PMID: 26969326; Soh LM et al., PMID: 25394566; Yoon PJ et al., PMID: 32658404). This variant has been reported in the ClinVar database as a germline pathogenic variant by 13 submitters and a likely pathogenic variant by three submitters. This variant is only observed on 26/200,314 alleles in the general population (gnomAD v2.1.1), indicating it is not a common variant. This variant occurs within the canonical splice acceptor site, which is predicted to cause skipping of the exon, leading to an out of frame transcript. However, functional studies have not yet confirmed this predicted splicing change (Choi BY et al., PMID: 19204907). Based on available information and the ACMG/AMP guidelines for variant interpretation (Richards S et al., PMID: 25741868), this variant is classified as pathogenic.

Natera, Inc.
Classification: Pathogenic for Pendred syndrome. Last evaluated: 2025-11-04. Review status: criteria provided, single submitter. Criteria: Natera Variant Classification Schema (03/2026). Collection method: clinical testing. Allele origin: germline.
Comment: The c.-3-2A>G variant in SLC26A4 is a 5' untranslated region (UTR) variant located upstream of the translation start codon. This variant is expected to result in nonsense mediated decay, truncation, or a dysfunctional protein product. This variant is rare in the general population with a frequency below the threshold expected for the associated phenotype(s). This variant has been observed in one or more individuals affected with the associated recessive disease, as either homozygous or compound heterozygous with a second variant (PMID: 26969326). Given the available evidence, this variant is classified as Pathogenic.

Victorian Clinical Genetics Services, Murdoch Childrens Research Institute
Classification: Pathogenic for Pendred syndrome. Last evaluated: 2025-10-14. Review status: criteria provided, single submitter. Criteria: ACMG Guidelines, 2015. Collection method: clinical testing. Allele origin: germline. Affected: yes.
Comment: This variant is classified as Pathogenic. Evidence in support of pathogenic classification: Canonical splice site variant without proven consequence on splicing (no functional evidence available); Variant is present in gnomAD <0.01 for a recessive condition (v4: 612 heterozygote(s), 0 homozygote(s)); This variant has strong previous evidence of pathogenicity in unrelated individuals. This variant has been reported many times as likely pathogenic and pathogenic in both compound heterozygous and homozygous individuals (ClinVar, deafnessvariationdatabase). Additional information: This variant is heterozygous; This gene is associated with autosomal recessive disease; Alternative nucleotide change(s) at the same canonical splice site are present in gnomAD (Highest allele count: v4: 8 heterozygote(s), 0 homozygote(s)); Abnormal splicing is predicted by in silico tools and affected nucleotide is moderately conserved; Loss of function is a known mechanism of disease in this gene and is associated with deafness with enlarged vestibular aqueduct (MIM#600791) and Pendred syndrome (MIM#274600); Variants in this gene are known to have variable expressivity (PMID: 20301640); Inheritance information for this variant is not currently available in this individual.

Ambry Genetics
Classification: Pathogenic for Inborn genetic diseases. Last evaluated: 2025-10-03. Review status: criteria provided, single submitter. Criteria: Ambry Variant Classification Scheme 2023. Collection method: clinical testing. Allele origin: germline.
Comment: The c.-3-2A>G intronic alteration consists of an A to G substitution two nucleotides before exon 2 (coding exon 1) of the SLC26A4 gene. Alterations that disrupt the canonical splice site are expected to result in aberrant splicing. The resulting transcript(s) likely disrupt the initiation codon and may result in loss of translation initiation or N-terminal truncation. Based on data from gnomAD, the G allele has an overall frequency of 0.013% (26/200314) total alleles studied. The highest observed frequency was 0.024% (21/88534) of European (non-Finnish) alleles. This variant has been identified in the homozygous state and/or in conjunction with other SLC26A4 variant(s) in individual(s) with features consistent with SLC26A4-related deafness (Albert, 2006; DeLuca, 2015; Soh, 2015; Yoon, 2020) This nucleotide position is highly conserved in available vertebrate species. In silico splice site analysis predicts that this alteration will weaken the native splice acceptor site and may result in the creation or strengthening of a novel splice acceptor site. Based on the available evidence, this alteration is classified as pathogenic.

Blueprint Genetics
Classification: Pathogenic for SLC26A4-related disorders. Last evaluated: 2024-10-22. Review status: criteria provided, single submitter. Criteria: ACMG Guidelines, 2015. Collection method: clinical testing. Allele origin: germline. Affected: yes. Observed: 5 variant alleles.

Greenwood Genetic Center Diagnostic Laboratories, Greenwood Genetic Center
Classification: Pathogenic for SLC26A4-related disorder. Last evaluated: 2024-09-05. Review status: criteria provided, single submitter. Criteria: ACMG Guidelines, 2015. Collection method: clinical testing. Allele origin: germline. Affected: yes.
Comment: PM2, PM3_Very Strong, PP3

Fulgent Genetics
Classification: Pathogenic for Pendred syndrome; Autosomal recessive nonsyndromic hearing loss 4. Last evaluated: 2024-05-23. Review status: criteria provided, single submitter. Criteria: ACMG Guidelines, 2015. Collection method: clinical testing. Allele origin: germline.

Baylor Genetics
Classification: Pathogenic for Autosomal recessive nonsyndromic hearing loss 4. Last evaluated: 2024-03-21. Review status: criteria provided, single submitter. Criteria: ACMG Guidelines, 2015. Collection method: clinical testing. Allele origin: unknown.

Revvity Omics, Revvity
Classification: Likely pathogenic. Last evaluated: 2023-12-04. Review status: criteria provided, single submitter. Criteria: ACMG Guidelines, 2015. Collection method: clinical testing. Allele origin: germline.

Laboratoire Génétique Moléculaire, CHRU TOURS
Classification: Pathogenic for Autosomal recessive nonsyndromic hearing loss 4. Last evaluated: 2022-12-12. Review status: criteria provided, single submitter. Criteria: ACMG Guidelines, 2015. Collection method: clinical testing. Allele origin: maternal. Affected: yes.
Comment: PVS1;PM2;PM3;PP4;PP5

NM_000441.2(SLC26A4):c.-3-2A>G

Genes: SLC26A4 (solute carrier family 26 member 4; plus strand), SLC26A4-AS1 (SLC26A4 antisense RNA 1; minus strand). Cytogenetic location: 7q22.3.
Variant type: single nucleotide variant.
Coding change: c.-3-2A>G on transcript NM_000441.2 (MANE Select); the canonical splice acceptor site of the intron before 3 bases upstream of the start codon, A replaced by G.
Molecular consequence: splice acceptor variant. On other transcripts: non-coding transcript variant (1).
Genome position (GRCh38, 1-based): chr7:107,661,637, A>G. VCF-style: chr7-107661637-A-G. GRCh37 (hg19) VCF-style: chr7-107302082-A-G.
Identifiers: ClinVar variation 43486 (VCV000043486.72), dbSNP rs397516411, ClinGen allele CA261395.